The following is an entry in ClinVar:

NM_001845.6(COL4A1):c.468+5A>G

Gene: COL4A1 (collagen type IV alpha 1 chain; minus strand). Cytogenetic location: 13q34.
Variant type: single nucleotide variant.
Coding change: c.468+5A>G on transcript NM_001845.6 (MANE Select); 5 bases into the intron after coding-DNA position 468, A replaced by G.
Molecular consequence: intron variant.
Genome position (GRCh38, 1-based): chr13:110,211,642, T>C on the plus strand (A>G on the coding strand, the complement: COL4A1 is on the minus strand). VCF-style: chr13-110211642-T-C. GRCh37 (hg19) VCF-style: chr13-110863989-T-C.
Other names: c.468+5A>G (NM_001303110.2).
Identifiers: ClinVar variation 1962600 (VCV001962600.6), dbSNP rs1291784139, ClinGen allele CA695021578.

ClinVar aggregate classification (germline): Uncertain significance. Review status: criteria provided, multiple submitters, no conflicts (2 of 4 stars). 2 submissions from 2 submitters: Uncertain significance (2). Last evaluated 2024-12-31.

Conditions:
Autosomal dominant familial hematuria-retinal arteriolar tortuosity-contractures syndrome. Also called: Angiopathy, hereditary, with nephropathy, aneurysms, and muscle cramps; Hereditary Angiopathy with Nephropathy, Aneurysms, and Muscle Cramps (HANAC) Syndrome. Identifiers: Orphanet 73229, MedGen C2673195, MONDO:0012726, OMIM 611773.
Retinal arterial tortuosity. Also called: RETINAL HEMORRHAGE WITH VASCULAR TORTUOSITY; Retinal arteries, tortuosity of. Identifiers: Orphanet 75326, MedGen C0423401, MONDO:0008373, OMIM 180000, HP:0000631.
Microangiopathy and leukoencephalopathy, pontine, autosomal dominant. Also called: DEMENTIA, HEREDITARY MULTI-INFARCT, SWEDISH TYPE; Pontine autosomal dominant microangiopathy with leukoencephalopathy. Identifiers: Orphanet 477749, MedGen C5231411, MONDO:0032814, OMIM 618564.
Brain small vessel disease 1 with or without ocular anomalies (BSVD1). Also called: GOULD SYNDROME 1; BRAIN SMALL VESSEL DISEASE WITH HEMORRHAGE; Brain small vessel disease with or without ocular anomalies; PORENCEPHALY, TYPE 1, AUTOSOMAL DOMINANT. Identifiers: Orphanet 2940, Orphanet 36383, Orphanet 99810, MedGen C4755307, MONDO:0008289, OMIM 175780.
Hemorrhage, intracerebral, susceptibility to (ICH). Also called: Stroke, hemorrhagic, susceptibility to. Identifiers: MedGen C3281105, MONDO:0100533, OMIM 614519.

Allele frequency attached by ClinVar (database versions not stated): gnomAD 0.00001; TOPMed 0.00001.
gnomAD v4.1: 15 of 1,610,950 alleles (0.00093%); highest among the groups gnomAD compares: Non-Finnish European, 0.0013%; no homozygotes.

Submissions (2):

Labcorp Genetics (formerly Invitae), Labcorp
Classification: Uncertain significance. Last evaluated: 2024-12-31. Review status: criteria provided, single submitter. Criteria: Invitae Variant Classification Sherloc (09022015). Collection method: clinical testing. Allele origin: germline.
Comment: This sequence change falls in intron 8 of the COL4A1 gene. It does not directly change the encoded amino acid sequence of the COL4A1 protein. It affects a nucleotide within the consensus splice site. This variant is not present in population databases (gnomAD no frequency). This variant has not been reported in the literature in individuals affected with COL4A1-related conditions. ClinVar contains an entry for this variant (Variation ID: 1962600). Variants that disrupt the consensus splice site are a relatively common cause of aberrant splicing (PMID: 17576681, 9536098). Algorithms developed to predict the effect of sequence changes on RNA splicing suggest that this variant is not likely to affect RNA splicing. In summary, the available evidence is currently insufficient to determine the role of this variant in disease. Therefore, it has been classified as a Variant of Uncertain Significance.

Fulgent Genetics
Classification: Uncertain significance for Brain small vessel disease 1 with or without ocular anomalies; Retinal arterial tortuosity; Autosomal dominant familial hematuria-retinal arteriolar tortuosity-contractures syndrome; Hemorrhage, intracerebral, susceptibility to; Microangiopathy and leukoencephalopathy, pontine, autosomal dominant. Last evaluated: 2024-03-31. Review status: criteria provided, single submitter. Criteria: ACMG Guidelines, 2015. Collection method: clinical testing. Allele origin: germline.

Literature cited by the submitters: PubMed 17576681 (cited by Labcorp Genetics (formerly Invitae), Labcorp); PubMed 9536098 (cited by Labcorp Genetics (formerly Invitae), Labcorp).